The following is an entry in ClinVar:

ClinVar aggregate classification (germline): Likely benign (0 of 4 stars; one submission).

Conditions:
ZMYND15-related disorder. Also called: ZMYND15-related condition.

Allele frequency attached by ClinVar (database versions not stated): gnomAD exomes below 0.00001; TOPMed below 0.00001.
gnomAD v4.1: 3 of 1,578,546 alleles (0.00019%); highest among the groups gnomAD compares: Admixed American, 0.0018%; no homozygotes.

Submission:

PreventionGenetics, part of Exact Sciences
Classification: Likely benign for ZMYND15-related condition. Last evaluated: 2019-06-13. Review status: no assertion criteria provided. Collection method: clinical testing. Allele origin: germline.
Comment: This variant is classified as likely benign based on ACMG/AMP sequence variant interpretation guidelines (Richards et al. 2015 PMID: 25741868, with internal and published modifications).

NM_001136046.3(ZMYND15):c.348G>A (p.Glu116=)

Gene: ZMYND15 (zinc finger MYND-type containing 15; plus strand). Cytogenetic location: 17p13.2.
Variant type: single nucleotide variant.
Coding change: c.348G>A on transcript NM_001136046.3 (MANE Select); coding-DNA position 348, G replaced by A.
Protein change: p.Glu116=; no amino-acid change (glutamic acid 116 retained).
Molecular consequence: synonymous variant.
Genome position (GRCh38, 1-based): chr17:4,740,896, G>A. VCF-style: chr17-4740896-G-A. GRCh37 (hg19) VCF-style: chr17-4644191-G-A.
Other names: c.348G>A, p.Glu116= (NM_001267822.1, NM_032265.2).
Identifiers: ClinVar variation 3041590 (VCV003041590.2), dbSNP rs1916373332, ClinGen allele CA497670812.